The following is an entry in ClinVar:

ClinVar aggregate classification (germline): Uncertain significance (1 of 4 stars; one submission).

Conditions:
Hereditary cancer-predisposing syndrome. Also called: Tumor predisposition; Hereditary Cancer Syndrome; Neoplastic Syndromes, Hereditary; Hereditary neoplastic syndrome. Identifiers: Orphanet 140162, MedGen C0027672, MeSH D009386, MONDO:0015356.

Submission:

Ambry Genetics
Classification: Uncertain significance for Hereditary cancer-predisposing syndrome. Last evaluated: 2022-05-30. Review status: criteria provided, single submitter. Criteria: Ambry Variant Classification Scheme 2023. Collection method: clinical testing. Allele origin: germline.
Comment: The p.G95R variant (also known as c.283G>C), located in coding exon 2 of the MSH3 gene, results from a G to C substitution at nucleotide position 283. The glycine at codon 95 is replaced by arginine, an amino acid with dissimilar properties. This amino acid position is conserved. In addition, the in silico prediction for this alteration is inconclusive. Since supporting evidence is limited at this time, the clinical significance of this alteration remains unclear.

NM_002439.5(MSH3):c.283G>C (p.Gly95Arg)

Gene: MSH3 (mutS homolog 3; plus strand). Cytogenetic location: 5q14.1.
Variant type: single nucleotide variant.
Coding change: c.283G>C on transcript NM_002439.5 (MANE Select); coding-DNA position 283, G replaced by C.
Protein change: p.Gly95Arg; replaces glycine 95 with arginine.
Molecular consequence: missense variant.
Genome position (GRCh38, 1-based): chr5:80,656,456, G>C. VCF-style: chr5-80656456-G-C. GRCh37 (hg19) VCF-style: chr5-79952275-G-C.
Other names: short protein forms G95R.
Identifiers: ClinVar variation 1796707 (VCV001796707.2), dbSNP rs2546712179, ClinGen allele CA360266258.